The following is an entry in ClinVar:

ClinVar aggregate classification (germline): Uncertain significance (1 of 4 stars; one submission).

Allele frequency attached by ClinVar (database versions not stated): gnomAD exomes below 0.00001.
gnomAD v4.1: 4 of 1,614,160 alleles (0.00025%); highest among the groups gnomAD compares: Non-Finnish European, 0.00025%; no homozygotes.

Submission:

Labcorp Genetics (formerly Invitae), Labcorp
Classification: Uncertain significance. Last evaluated: 2021-09-01. Review status: criteria provided, single submitter. Criteria: Invitae Variant Classification Sherloc (09022015). Collection method: clinical testing. Allele origin: germline.
Comment: This sequence change replaces isoleucine with threonine at codon 403 of the TPP1 protein (p.Ile403Thr). The isoleucine residue is weakly conserved and there is a moderate physicochemical difference between isoleucine and threonine. This variant is not present in population databases (ExAC no frequency). This variant has not been reported in the literature in individuals affected with TPP1-related conditions. Algorithms developed to predict the effect of missense changes on protein structure and function (SIFT, PolyPhen-2, Align-GVGD) all suggest that this variant is likely to be tolerated. In summary, the available evidence is currently insufficient to determine the role of this variant in disease. Therefore, it has been classified as a Variant of Uncertain Significance.

NM_000391.4(TPP1):c.1208T>C (p.Ile403Thr)

Gene: TPP1 (tripeptidyl peptidase 1; minus strand). Cytogenetic location: 11p15.4.
Variant type: single nucleotide variant.
Coding change: c.1208T>C on transcript NM_000391.4 (MANE Select); coding-DNA position 1208, T replaced by C.
Protein change: p.Ile403Thr; replaces isoleucine 403 with threonine.
Molecular consequence: missense variant.
Genome position (GRCh38, 1-based): chr11:6,615,500, A>G on the plus strand (T>C on the coding strand, the complement: TPP1 is on the minus strand). VCF-style: chr11-6615500-A-G. GRCh37 (hg19) VCF-style: chr11-6636731-A-G.
Other names: short protein forms I403T.
Identifiers: ClinVar variation 580299 (VCV000580299.8), dbSNP rs1564854446, ClinGen allele CA379472979.